The following is an entry in ClinVar:

NM_001572.5(IRF7):c.183+2T>G

Gene: IRF7 (interferon regulatory factor 7; minus strand). Cytogenetic location: 11p15.5.
Variant type: single nucleotide variant.
Coding change: c.183+2T>G on transcript NM_001572.5 (MANE Select); the canonical splice donor site of the intron after coding-DNA position 183, T replaced by G.
Molecular consequence: splice donor variant.
Genome position (GRCh38, 1-based): chr11:615,095, A>C on the plus strand (T>G on the coding strand, the complement: IRF7 is on the minus strand). VCF-style: chr11-615095-A-C. GRCh37 (hg19) VCF-style: chr11-615095-A-C.
Other names: c.183+2T>G (NM_004029.4); c.222+2T>G (NM_004031.4).
Identifiers: ClinVar variation 2130727 (VCV002130727.4), dbSNP rs1856759937, ClinGen allele CA378983532.

ClinVar aggregate classification (germline): Uncertain significance (1 of 4 stars; one submission).

Conditions:
Immunodeficiency 39 (IMD39). Identifiers: Orphanet 574918, MedGen C4225358, MONDO:0014597, OMIM 616345.

Allele frequency attached by ClinVar (database versions not stated): gnomAD exomes below 0.00001; gnomAD 0.00001; TOPMed 0.00001.

Submission:

Labcorp Genetics (formerly Invitae), Labcorp
Classification: Uncertain significance for Immunodeficiency 39. Last evaluated: 2022-04-25. Review status: criteria provided, single submitter. Criteria: Invitae Variant Classification Sherloc (09022015). Collection method: clinical testing. Allele origin: germline.
Comment: In summary, the available evidence is currently insufficient to determine the role of this variant in disease. Therefore, it has been classified as a Variant of Uncertain Significance. Algorithms developed to predict the effect of sequence changes on RNA splicing suggest that this variant may disrupt the consensus splice site. This variant has not been reported in the literature in individuals affected with IRF7-related conditions. This variant is not present in population databases (gnomAD no frequency). This sequence change affects a donor splice site in intron 1 of the IRF7 gene. It is expected to disrupt RNA splicing. Variants that disrupt the donor or acceptor splice site typically lead to a loss of protein function (PMID: 16199547), however the current clinical and genetic evidence is not sufficient to establish whether loss-of-function variants in IRF7 cause disease.

Literature cited by the submitters: PubMed 16199547.